The following is an entry in ClinVar:

ClinVar aggregate classification (germline): Uncertain significance. Review status: criteria provided, multiple submitters, no conflicts (2 of 4 stars). 2 submissions from 2 submitters: Uncertain significance (2). Last evaluated 2025-01-06.

Conditions:
Ataxia-telangiectasia-like disorder (ATLD). Identifiers: MedGen C1858391, MONDO:0011457.
Hereditary cancer-predisposing syndrome. Also called: Neoplastic Syndromes, Hereditary; Tumor predisposition; Hereditary neoplastic syndrome; Hereditary Cancer Syndrome. Identifiers: Orphanet 140162, MedGen C0027672, MeSH D009386, MONDO:0015356.

gnomAD v4.1: 4 of 1,613,314 alleles (0.00025%); highest among the groups gnomAD compares: Admixed American, 0.0017%; no homozygotes.

Submissions (2):

Labcorp Genetics (formerly Invitae), Labcorp
Classification: Uncertain significance for Ataxia-telangiectasia-like disorder. Last evaluated: 2025-01-06. Review status: criteria provided, single submitter. Criteria: Invitae Variant Classification Sherloc (09022015). Collection method: clinical testing. Allele origin: germline.
Comment: This sequence change replaces methionine, which is neutral and non-polar, with valine, which is neutral and non-polar, at codon 309 of the MRE11 protein (p.Met309Val). This variant is present in population databases (rs766451752, gnomAD 0.003%). This variant has not been reported in the literature in individuals affected with MRE11-related conditions. ClinVar contains an entry for this variant (Variation ID: 3224872). An algorithm developed to predict the effect of missense changes on protein structure and function (PolyPhen-2) suggests that this variant is likely to be tolerated. In summary, the available evidence is currently insufficient to determine the role of this variant in disease. Therefore, it has been classified as a Variant of Uncertain Significance.

Ambry Genetics
Classification: Uncertain significance for Hereditary cancer-predisposing syndrome. Last evaluated: 2024-03-14. Review status: criteria provided, single submitter. Criteria: Ambry Variant Classification Scheme 2023. Collection method: clinical testing. Allele origin: germline.
Comment: The p.M309V variant (also known as c.925A>G), located in coding exon 8 of the MRE11A gene, results from an A to G substitution at nucleotide position 925. The methionine at codon 309 is replaced by valine, an amino acid with highly similar properties. This amino acid position is conserved. In addition, this alteration is predicted to be tolerated by in silico analysis. Based on the available evidence, the clinical significance of this alteration remains unclear.

NM_005591.4(MRE11):c.925A>G (p.Met309Val)

Gene: MRE11 (MRE11 double strand break repair nuclease; minus strand). Cytogenetic location: 11q21.
Variant type: single nucleotide variant.
Coding change: c.925A>G on transcript NM_005591.4 (MANE Select); coding-DNA position 925, A replaced by G.
Protein change: p.Met309Val; replaces methionine 309 with valine.
Molecular consequence: missense variant.
Genome position (GRCh38, 1-based): chr11:94,470,563, T>C on the plus strand (A>G on the coding strand, the complement: MRE11 is on the minus strand). VCF-style: chr11-94470563-T-C. GRCh37 (hg19) VCF-style: chr11-94203729-T-C.
Other names: c.925A>G, p.Met309Val (NM_001330347.2, NM_005590.4); short protein forms M309V.
Identifiers: ClinVar variation 3224872 (VCV003224872.3), dbSNP rs766451752, ClinGen allele CA6235259.